The following is an entry in ClinVar:

ClinVar aggregate classification (germline): Uncertain significance (1 of 4 stars; one submission).

Conditions:
Familial adenomatous polyposis 1 (FAP1). Also called: FAMILIAL ADENOMATOUS POLYPOSIS 1, ATTENUATED; POLYPOSIS, ADENOMATOUS INTESTINAL. Identifiers: MedGen C2713442, MONDO:0021056, OMIM 175100. Disease mechanism: loss of function.

Submission:

Labcorp Genetics (formerly Invitae), Labcorp
Classification: Uncertain significance for Familial adenomatous polyposis 1. Last evaluated: 2021-11-20. Review status: criteria provided, single submitter. Criteria: Invitae Variant Classification Sherloc (09022015). Collection method: clinical testing. Allele origin: germline.
Comment: In summary, the available evidence is currently insufficient to determine the role of this variant in disease. Therefore, it has been classified as a Variant of Uncertain Significance. Algorithms developed to predict the effect of missense changes on protein structure and function are either unavailable or do not agree on the potential impact of this missense change (SIFT: "Deleterious"; PolyPhen-2: "Probably Damaging"; Align-GVGD: "Class C15"). This variant has not been reported in the literature in individuals affected with APC-related conditions. This variant is not present in population databases (gnomAD no frequency). This sequence change replaces glutamine, which is neutral and polar, with histidine, which is basic and polar, at codon 2478 of the APC protein (p.Gln2478His).

NM_000038.6(APC):c.7434G>T (p.Gln2478His)

Gene: APC (APC regulator of Wnt signaling pathway; plus strand). Cytogenetic location: 5q22.2.
Variant type: single nucleotide variant.
Coding change: c.7434G>T on transcript NM_000038.6 (MANE Select); coding-DNA position 7434, G replaced by T.
Protein change: p.Gln2478His; replaces glutamine 2478 with histidine.
Molecular consequence: missense variant.
Genome position (GRCh38, 1-based): chr5:112,843,028, G>T. VCF-style: chr5-112843028-G-T. GRCh37 (hg19) VCF-style: chr5-112178725-G-T.
Other names: c.7434G>T, p.Gln2478His (NM_001127510.3, NM_001354895.2); c.7380G>T, p.Gln2460His (NM_001127511.3); c.7488G>T, p.Gln2496His (NM_001354896.2); c.7464G>T, p.Gln2488His (NM_001354897.2); c.7359G>T, p.Gln2453His (NM_001354898.2); c.7350G>T, p.Gln2450His (NM_001354899.2); c.7311G>T, p.Gln2437His (NM_001354900.2); c.7257G>T, p.Gln2419His (NM_001354901.2); and 5 more; short protein forms Q2195H, Q2318H, Q2460H, Q2496H, Q2352H, Q2377H, Q2419H, Q2437H.
Identifiers: ClinVar variation 1464068 (VCV001464068.6), dbSNP rs1766476194, ClinGen allele CA16037509.
Genomic context (GRCh38, chr5:112,843,028, plus strand): 5'-ATCTGCTTCATTTGAATCTCTTTCTCCATCATCTAGACCAGCTTCTCCCACTAGGTCCCA[G>T]GCACAAACTCCAGTTTTAAGTCCTTCCCTTCCTGATATGTCTCTATCCACACATTCGTCT-3'
Protein context (NP_000029.2, residues 2468-2488): SSRPASPTRS[Gln2478His]AQTPVLSPSL